The following is an entry in ClinVar:

NM_033004.4(NLRP1):c.449-2A>G

Gene: NLRP1 (NLR family pyrin domain containing 1; minus strand). Cytogenetic location: 17p13.2.
Variant type: single nucleotide variant.
Coding change: c.449-2A>G on transcript NM_033004.4 (MANE Select); the canonical splice acceptor site of the intron before coding-DNA position 449, A replaced by G.
Molecular consequence: splice acceptor variant.
Genome position (GRCh38, 1-based): chr17:5,582,064, T>C on the plus strand (A>G on the coding strand, the complement: NLRP1 is on the minus strand). VCF-style: chr17-5582064-T-C. GRCh37 (hg19) VCF-style: chr17-5485384-T-C.
Other names: c.449-2A>G (NM_001033053.3, NM_033007.4, NM_033006.4 and 1 more transcripts).
Identifiers: ClinVar variation 1349163 (VCV001349163.6), dbSNP rs765927931, ClinGen allele CA8327565.

ClinVar aggregate classification (germline): Uncertain significance (1 of 4 stars; one submission).

Allele frequency attached by ClinVar (database versions not stated): gnomAD 0.00001; gnomAD exomes 0.00002; ExAC 0.00005.
gnomAD v4.1: 32 of 1,607,186 alleles (0.002%); highest among the groups gnomAD compares: South Asian, 0.019%; no homozygotes.

Submission:

Labcorp Genetics (formerly Invitae), Labcorp
Classification: Uncertain significance. Last evaluated: 2024-09-23. Review status: criteria provided, single submitter. Criteria: Invitae Variant Classification Sherloc (09022015). Collection method: clinical testing. Allele origin: germline.
Comment: This sequence change affects an acceptor splice site in intron 2 of the NLRP1 gene. It is expected to disrupt RNA splicing. Variants that disrupt the donor or acceptor splice site typically lead to a loss of protein function (PMID: 16199547), however the current clinical and genetic evidence is not sufficient to establish whether loss-of-function variants in NLRP1 cause disease. This variant is present in population databases (rs765927931, gnomAD 0.01%). This variant has not been reported in the literature in individuals affected with NLRP1-related conditions. ClinVar contains an entry for this variant (Variation ID: 1349163). Algorithms developed to predict the effect of sequence changes on RNA splicing suggest that this variant may disrupt the consensus splice site. In summary, the available evidence is currently insufficient to determine the role of this variant in disease. Therefore, it has been classified as a Variant of Uncertain Significance.

Literature cited by the submitters: PubMed 16199547.